The following is an entry in ClinVar:

ClinVar aggregate classification (germline): Uncertain significance (1 of 4 stars; one submission).

gnomAD v4.1: 3 of 1,605,842 alleles (0.00019%); highest among the groups gnomAD compares: South Asian, 0.0011%; no homozygotes.

Submission:

GeneDx
Classification: Uncertain significance. Last evaluated: 2024-11-20. Review status: criteria provided, single submitter. Criteria: GeneDx Variant Classification Process June 2021. Collection method: clinical testing. Allele origin: germline. Affected: yes.
Comment: Not observed at significant frequency in large population cohorts (gnomAD); In silico analysis indicates that this missense variant does not alter protein structure/function; Has not been previously published as pathogenic or benign to our knowledge

NM_001128228.3(TPRN):c.919A>C (p.Met307Leu)

Gene: TPRN (taperin; minus strand). Cytogenetic location: 9q34.3.
Variant type: single nucleotide variant.
Coding change: c.919A>C on transcript NM_001128228.3 (MANE Select); coding-DNA position 919, A replaced by C.
Protein change: p.Met307Leu; replaces methionine 307 with leucine.
Molecular consequence: missense variant.
Genome position (GRCh38, 1-based): chr9:137,199,793, T>G on the plus strand (A>C on the coding strand, the complement: TPRN is on the minus strand). VCF-style: chr9-137199793-T-G. GRCh37 (hg19) VCF-style: chr9-140094245-T-G.
Other names: short protein forms M307L.
Identifiers: ClinVar variation 3900469 (VCV003900469.1).
Genomic context (GRCh38, chr9:137,199,793, plus strand): 5'-AGTTTGCGCGGAGGCTGGCCAGCGCCCGGGCCTGGAGGTCCCCCAAGGGGATGGTCTCCA[T>G]AACTGGCTTGGGGGCCGGCCGTATCTCGAAGGAGTCGTTGGTGCTGGTGGCTGCGGAGAC-3'
Protein context (NP_001121700.2, residues 297-317): FEIRPAPKPV[Met307Leu]ETIPLGDLQA